The following is an entry in ClinVar:

NM_000199.5(SGSH):c.1298G>A (p.Arg433Gln)

Gene: SGSH (N-sulfoglucosamine sulfohydrolase; minus strand). Cytogenetic location: 17q25.3.
Variant type: single nucleotide variant.
Coding change: c.1298G>A on transcript NM_000199.5 (MANE Select); coding-DNA position 1298, G replaced by A.
Protein change: p.Arg433Gln; replaces arginine 433 with glutamine.
Molecular consequence: missense variant. On other transcripts: 3 prime UTR variant (2), non-coding transcript variant (1).
Genome position (GRCh38, 1-based): chr17:80,210,663, C>T on the plus strand (G>A on the coding strand, the complement: SGSH is on the minus strand). VCF-style: chr17-80210663-C-T. GRCh37 (hg19) VCF-style: chr17-78184462-C-T.
Other names: c.*385G>A (NM_001352921.3); c.*348G>A (NM_001352922.2); short protein forms R433Q.
Identifiers: ClinVar variation 5109 (VCV000005109.37), dbSNP rs104894641, ClinGen allele CA117259.

ClinVar aggregate classification (germline): Pathogenic/Likely pathogenic. Review status: criteria provided, multiple submitters, no conflicts (2 of 4 stars). 11 submissions from 11 submitters: Pathogenic (7); Likely pathogenic (1). 3 of the submissions do not count toward it. Last evaluated 2024-04-26.

Conditions:
Inborn genetic diseases. Identifiers: MedGen C0950123, MeSH D030342.
Mucopolysaccharidosis, MPS-III-A (MPS3A). Also called: HEPARAN SULFATE SULFATASE DEFICIENCY; MPS III A; mucopolysaccharidosis type 3A; Mucopolysaccharidosis type IIIA (Sanfilippo A); MUCOPOLYSACCHARIDOSIS, TYPE IIIA, ATTENUATED; MPS IIIA (Sanfilippo Syndrome Type A). Identifiers: Orphanet 581, Orphanet 79269, MedGen C0086647, MONDO:0009655, OMIM 252900.

Allele frequency attached by ClinVar (database versions not stated): gnomAD 0.00001; gnomAD exomes 0.00001; ExAC 0.00001.
gnomAD v4.1: 19 of 1,613,778 alleles (0.0012%); highest among the groups gnomAD compares: South Asian, 0.0022%; no homozygotes.

Submissions (11):

Labcorp Genetics (formerly Invitae), Labcorp
Classification: Pathogenic for Mucopolysaccharidosis, MPS-III-A. Last evaluated: 2024-04-26. Review status: criteria provided, single submitter. Criteria: Invitae Variant Classification Sherloc (09022015). Collection method: clinical testing. Allele origin: germline.
Comment: This sequence change replaces arginine, which is basic and polar, with glutamine, which is neutral and polar, at codon 433 of the SGSH protein (p.Arg433Gln). This variant is present in population databases (rs104894641, gnomAD 0.004%). This missense change has been observed in individual(s) with Sanfilippo syndrome A (PMID: 11343308, 12702166, 30593151). In at least one individual the data is consistent with being in trans (on the opposite chromosome) from a pathogenic variant. ClinVar contains an entry for this variant (Variation ID: 5109). Advanced modeling of protein sequence and biophysical properties (such as structural, functional, and spatial information, amino acid conservation, physicochemical variation, residue mobility, and thermodynamic stability) performed at Invitae indicates that this missense variant is expected to disrupt SGSH protein function with a positive predictive value of 80%. Experimental studies have shown that this missense change affects SGSH function (PMID: 15542396). This variant disrupts the p.Arg433 amino acid residue in SGSH. Other variant(s) that disrupt this residue have been determined to be pathogenic (PMID: 11182930, 15542396, 29023963). This suggests that this residue is clinically significant, and that variants that disrupt this residue are likely to be disease-causing. For these reasons, this variant has been classified as Pathogenic.

Foundation for Research in Genetics and Endocrinology, FRIGE's Institute of Human Genetics
Classification: Pathogenic for Mucopolysaccharidosis, MPS-III-A. Last evaluated: 2023-06-26. Review status: criteria provided, single submitter. Criteria: ACMG Guidelines, 2015. Collection method: clinical testing. Allele origin: germline. Inheritance: Autosomal recessive inheritance. Affected: yes. Observed: 1 homozygote.
Comment: A homozygous variation in exon 8 of the SGSH gene that results in the amino acid substitution of Glutamine for Arginine at codon 433 was detected. This variant has not been reported in 1000 genomes and has a MAF of 0.0012% in the gnomAD database. The in-silico prediction is disease causing by MutationTaster, DANN, PolyPhen-2 and SIFT. In summary, the variant meets our criteria to be classified as pathogenic

Ambry Genetics
Classification: Pathogenic for Inborn genetic diseases. Last evaluated: 2022-03-28. Review status: criteria provided, single submitter. Criteria: Ambry Variant Classification Scheme 2023. Collection method: clinical testing. Allele origin: germline.
Comment: The c.1298G>A (p.R433Q) alteration is located in exon 8 (coding exon 8) of the SGSH gene. This alteration results from a G to A substitution at nucleotide position 1298, causing the arginine (R) at amino acid position 433 to be replaced by a glutamine (Q). This alteration has been reported in the homozygous and compound heterozygous states in individuals with phenotypes consistent with mucopolysaccharidosis type IIIA (Chab&aacute;s, 2001; Di Natale, 2003; H&eacute;ron, 2011; Shapiro, 2016; Valstar, 2010). Functional studies showed that the p.R433Q alteration demonstrated a lack of enzyme activity (Montfort, 2004). This alteration is predicted to be deleterious by in silico analysis. Based on the available evidence, this alteration is classified as pathogenic.

Genome-Nilou Lab
Classification: Likely pathogenic for Mucopolysaccharidosis, MPS-III-A. Last evaluated: 2021-11-07. Review status: criteria provided, single submitter. Criteria: ACMG Guidelines, 2015. Collection method: clinical testing. Allele origin: germline. Affected: no.

Women's Health and Genetics/Laboratory Corporation of America, LabCorp
Classification: Pathogenic for Mucopolysaccharidosis, MPS-III-A. Last evaluated: 2017-09-11. Review status: criteria provided, single submitter. Criteria: LabCorp Variant Classification Summary - May 2015. Collection method: clinical testing. Allele origin: germline.
Comment: Variant summary: The SGSH c.1298G>A (p.Arg433Gln) variant involves the alteration of a conserved nucleotide. 3/4 in silico tools predict a damaging outcome for this variant (SNPsandGO not captured due to low reliability index). This variant was found in 1/120022 control chromosomes at a frequency of 0.0000083, which does not exceed the estimated maximal expected allele frequency of a pathogenic SGSH variant (0.0032275). The variant has been reported in numerous affected individuals in the literature in both homozygous and compound heterozygous states. Patient fibroblasts as well as transfected cells showed low to non-detectable enzyme activity (Montfort_2004). In addition, multiple clinical diagnostic laboratories/reputable databases classified this variant as pathogenic. Taken together, this variant is classified as pathogenic.

Eurofins Ntd Llc (ga)
Classification: Pathogenic. Last evaluated: 2013-12-03. Review status: criteria provided, single submitter. Criteria: EGL Classification Definitions. Collection method: clinical testing. Allele origin: germline. Observed: 4 variant alleles, 4 heterozygotes.

Juno Genomics, Hangzhou Juno Genomics, Inc
Classification: Pathogenic for Mucopolysaccharidosis, MPS-III-A. Review status: criteria provided, single submitter. Criteria: ACMG Guidelines, 2015. Collection method: clinical testing. Allele origin: germline.
Comment: Absent from controls (or at extremely low frequency if recessive) in Genome Aggregation Database.;Multiple lines of computational evidence support a deleterious effect on the gene or gene product.;For recessive disorders, detected in trans with a pathogenic variant.;Patient's phenotype or family history is highly specific for a disease with a single genetic etiology.;Novel missense change at an amino acid residue where a different missense change determined to be pathogenic has been seen before.

Rady Children's Institute for Genomic Medicine, Rady Children's Hospital San Diego
Classification: Pathogenic for Mucopolysaccharidosis, MPS-III-A. Review status: criteria provided, single submitter. Criteria: ACMG Guidelines, 2015. Collection method: clinical testing. Allele origin: germline. Affected: yes.
Comment: This variant has been previously reported as a compound heterozygous and a homozygous change in patients with Mucopolysaccharidosis type IIIA (PMID: 11343308, 12702166, 15542396, 30593151, 31236806). Functional studies using patient fibroblasts demonstrated that this variant dramatically reduces the enzymatic activity of sulfamidase. It is present in the heterozygous state in the gnomAD population database at a frequency of 0.001% (3/250380) and thus is presumed to be rare. The c.1298G>A (p.Arg433Gln) variant affects a highly conserved amino acid and is predicted by multiple in silico tools to have a deleterious effect on protein function. Based on the available evidence, the c.1298G>A (p.Arg433Gln) variant is classified as Pathogenic.

Natera, Inc.
Classification: Pathogenic for Mucopolysaccharidosis type IIIA. Last evaluated: 2021-01-27. Review status: no assertion criteria provided. Collection method: clinical testing. Allele origin: germline. Not counted in ClinVar's aggregate classification.

Counsyl
Classification: Likely pathogenic for Mucopolysaccharidosis, MPS-III-A. Last evaluated: 2017-02-09. Review status: no assertion criteria provided. Collection method: clinical testing. Allele origin: unknown. Not counted in ClinVar's aggregate classification.

OMIM
Classification: Pathogenic for MUCOPOLYSACCHARIDOSIS, TYPE IIIA. Last evaluated: 2003-04-01. Review status: no assertion criteria provided. Collection method: literature only. Allele origin: germline. Not counted in ClinVar's aggregate classification.

Literature cited by the submitters: PubMed 11343308 (cited by 3 submitters); PubMed 12702166 (cited by 4 submitters); PubMed 30593151 (cited by Labcorp Genetics (formerly Invitae), Labcorp); PubMed 15542396 (cited by 4 submitters); PubMed 11182930 (cited by Labcorp Genetics (formerly Invitae), Labcorp); PubMed 29023963 (cited by Labcorp Genetics (formerly Invitae), Labcorp); PubMed 5542396 (cited by Ambry Genetics); PubMed 21061399 (cited by 3 submitters); PubMed 21204211 (cited by Ambry Genetics and Women's Health and Genetics/Laboratory Corporation of America, LabCorp); PubMed 26787381 (cited by Ambry Genetics and Counsyl); PubMed 24314109 (cited by Counsyl); PubMed 27590925 (cited by Counsyl).